The following is an entry in ClinVar:

ClinVar aggregate classification (germline): Uncertain significance (1 of 4 stars; one submission).

Conditions:
3-hydroxy-3-methylglutaryl-CoA synthase deficiency (HMGCS2D). Also called: HMGCS2 DEFICIENCY; MITOCHONDRIAL HMG-CoA SYNTHASE DEFICIENCY; HMG-CoA synthase-2 deficiency. Identifiers: Orphanet 35701, MedGen C2751532, MONDO:0011614, OMIM 605911.

Submission:

Labcorp Genetics (formerly Invitae), Labcorp
Classification: Uncertain significance for 3-hydroxy-3-methylglutaryl-CoA synthase deficiency. Last evaluated: 2024-10-16. Review status: criteria provided, single submitter. Criteria: Invitae Variant Classification Sherloc (09022015). Collection method: clinical testing. Allele origin: germline.
Comment: This sequence change replaces serine, which is neutral and polar, with asparagine, which is neutral and polar, at codon 202 of the HMGCS2 protein (p.Ser202Asn). This variant is not present in population databases (gnomAD no frequency). This variant has not been reported in the literature in individuals affected with HMGCS2-related conditions. ClinVar contains an entry for this variant (Variation ID: 2011704). Invitae Evidence Modeling of protein sequence and biophysical properties (such as structural, functional, and spatial information, amino acid conservation, physicochemical variation, residue mobility, and thermodynamic stability) indicates that this missense variant is not expected to disrupt HMGCS2 protein function with a negative predictive value of 80%. Algorithms developed to predict the effect of sequence changes on RNA splicing suggest that this variant may create or strengthen a splice site. In summary, the available evidence is currently insufficient to determine the role of this variant in disease. Therefore, it has been classified as a Variant of Uncertain Significance.

NM_005518.4(HMGCS2):c.605G>A (p.Ser202Asn)

Gene: HMGCS2 (3-hydroxy-3-methylglutaryl-CoA synthase 2; minus strand). Cytogenetic location: 1p12.
Variant type: single nucleotide variant.
Coding change: c.605G>A on transcript NM_005518.4 (MANE Select); coding-DNA position 605, G replaced by A.
Protein change: p.Ser202Asn; replaces serine 202 with asparagine.
Molecular consequence: missense variant. On other transcripts: intron variant (1).
Genome position (GRCh38, 1-based): chr1:119,759,944, C>T on the plus strand (G>A on the coding strand, the complement: HMGCS2 is on the minus strand). VCF-style: chr1-119759944-C-T. GRCh37 (hg19) VCF-style: chr1-120302567-C-T.
Other names: c.560-662G>A (NM_001166107.1); short protein forms S202N.
Identifiers: ClinVar variation 2011704 (VCV002011704.4), dbSNP rs2464266476, ClinGen allele CA341863080.
Genomic context (GRCh38, chr1:119,759,944, plus strand): 5'-GCCTTGGGCCCAATCAGCATAGCCACAGCTCCGGCCCCACCTGTGGGACGAGCATTACCA[C>T]TGGGATAGACGGCAATGTCTCCACAGACCACCATGGCATAACGACCTGTAAAGAGAAACA-3'
Protein context (NP_005509.1, residues 192-212): VVCGDIAVYP[Ser202Asn]GNARPTGGAG